The following is an entry in ClinVar:

ClinVar aggregate classification (germline): Uncertain significance (1 of 4 stars; one submission).

Conditions:
Cardiovascular phenotype. Identifiers: MedGen CN230736.

gnomAD v4.1: 1 of 1,539,936 alleles (0.000065%); highest among the groups gnomAD compares: East Asian, 0.0023%; no homozygotes.

Submission:

Ambry Genetics
Classification: Uncertain significance for Cardiovascular phenotype. Last evaluated: 2021-09-02. Review status: criteria provided, single submitter. Criteria: Ambry Variant Classification Scheme 2023. Collection method: clinical testing. Allele origin: germline.
Comment: The c.19109+3A>G intronic variant results from an A to G substitution 3 nucleotides after coding exon 75 in the TTN gene. This nucleotide position is well conserved in available vertebrate species. In silico splice site analysis for this alteration is inconclusive. Since supporting evidence is limited at this time, the clinical significance of this alteration remains unclear.

NM_001267550.2(TTN):c.46304+3A>G

Genes: TTN (titin; minus strand), TTN-AS1 (TTN antisense RNA 1; plus strand). Cytogenetic location: 2q31.2.
Variant type: single nucleotide variant.
Coding change: c.46304+3A>G on transcript NM_001267550.2 (MANE Select); 3 bases into the intron after coding-DNA position 46304, A replaced by G.
Molecular consequence: intron variant. On other transcripts: non-coding transcript variant (1).
Genome position (GRCh38, 1-based): chr2:178,620,214, T>C on the plus strand (A>G on the coding strand, the complement: TTN is on the minus strand). VCF-style: chr2-178620214-T-C. GRCh37 (hg19) VCF-style: chr2-179484941-T-C.
Other names: c.19109+3A>G (NM_003319.4); c.19685+3A>G (NM_133437.4); c.19484+3A>G (NM_133432.3); c.38600+3A>G (NM_133378.4); c.41381+3A>G (NM_001256850.1).
Identifiers: ClinVar variation 1782495 (VCV001782495.2), dbSNP rs866285912, ClinGen allele CA430275697.
Genomic context (GRCh38, chr2:178,620,214, plus strand): 5'-CCACTAAATTGTCAAAAGTGTATATATAGCTACAGAAATAGAGAATAAAAAGATCTTGCT[T>C]ACTTTTTGCCTTCTTTGATTTCTCTCCCATTTCTGTACCATTTTACATTGGCTTTCTCTC-3'